The following is an entry in ClinVar:

NM_002427.4(MMP13):c.1076G>T (p.Gly359Val)

Gene: MMP13 (matrix metallopeptidase 13; minus strand). Cytogenetic location: 11q22.2.
Variant type: single nucleotide variant.
Coding change: c.1076G>T on transcript NM_002427.4 (MANE Select); coding-DNA position 1076, G replaced by T.
Protein change: p.Gly359Val; replaces glycine 359 with valine.
Molecular consequence: missense variant.
Genome position (GRCh38, 1-based): chr11:102,948,026, C>A on the plus strand (G>T on the coding strand, the complement: MMP13 is on the minus strand). VCF-style: chr11-102948026-C-A. GRCh37 (hg19) VCF-style: chr11-102818755-C-A.
Other names: short protein forms G359V.
Identifiers: ClinVar variation 3708136 (VCV003708136.2).

ClinVar aggregate classification (germline): Uncertain significance (1 of 4 stars; one submission).

gnomAD v4.1: 5 of 1,613,512 alleles (0.00031%); highest among the groups gnomAD compares: Admixed American, 0.0067%; no homozygotes.

Submission:

Labcorp Genetics (formerly Invitae), Labcorp
Classification: Uncertain significance. Last evaluated: 2025-04-16. Review status: criteria provided, single submitter. Criteria: Invitae Variant Classification Sherloc (09022015). Collection method: clinical testing. Allele origin: germline.
Comment: This sequence change replaces glycine, which is neutral and non-polar, with valine, which is neutral and non-polar, at codon 359 of the MMP13 protein (p.Gly359Val). This variant is present in population databases (no rsID available, gnomAD 0.01%). This variant has not been reported in the literature in individuals affected with MMP13-related conditions. ClinVar contains an entry for this variant (Variation ID: 3708136). Invitae Evidence Modeling of protein sequence and biophysical properties (such as structural, functional, and spatial information, amino acid conservation, physicochemical variation, residue mobility, and thermodynamic stability) indicates that this missense variant is expected to disrupt MMP13 protein function with a positive predictive value of 80%. In summary, the available evidence is currently insufficient to determine the role of this variant in disease. Therefore, it has been classified as a Variant of Uncertain Significance.